The following is an entry in ClinVar:

NC_000008.10:g.(?_90958358)_(90960130_?)del

Gene: NBN (nibrin; minus strand). Cytogenetic location: 8q21.3.
Variant type: Deletion.
Identifiers: ClinVar variation 1072538 (VCV001072538.3).

ClinVar aggregate classification (germline): Pathogenic (1 of 4 stars; one submission).

Conditions:
Microcephaly, normal intelligence and immunodeficiency (NBS). Also called: Microcephaly with normal intelligence immunodeficiency and lymphoreticular malignancies; Nonsyndromal microcephaly autosomal recessive with normal intelligence; Seemanova syndrome 2; SEEMANOVA SYNDROME II; BERLIN BREAKAGE SYNDROME; Immunodeficiency, microcephaly with normal intelligence. Identifiers: Orphanet 647, MedGen C0398791, MONDO:0009623, OMIM 251260.

Submission:

Labcorp Genetics (formerly Invitae), Labcorp
Classification: Pathogenic for Microcephaly, normal intelligence and immunodeficiency. Last evaluated: 2023-05-23. Review status: criteria provided, single submitter. Criteria: Invitae Variant Classification Sherloc (09022015). Collection method: clinical testing. Allele origin: germline.
Comment: This variant is a gross deletion of the genomic region encompassing exon(s) 12-13 of the NBN gene. This variant would be expected to be in-frame, preserving the integrity of the reading frame. This variant has not been reported in the literature in individuals affected with NBN-related conditions. The region of the NBN gene that includes exon(s) 13 has been determined to be clinically significant (PMID: 28076792; Invitae). Therefore, deletions that encompass that region are likely to be disease-causing. For these reasons, this variant has been classified as Pathogenic.

Literature cited by the submitters: PubMed 28076792.